The following is an entry in ClinVar:

NM_014251.3(SLC25A13):c.1311+1G>C

Gene: SLC25A13 (solute carrier family 25 member 13; minus strand). Cytogenetic location: 7q21.3.
Variant type: single nucleotide variant.
Coding change: c.1311+1G>C on transcript NM_014251.3 (MANE Select); the canonical splice donor site of the intron after coding-DNA position 1311, G replaced by C.
Molecular consequence: splice donor variant.
Genome position (GRCh38, 1-based): chr7:96,170,044, C>G on the plus strand (G>C on the coding strand, the complement: SLC25A13 is on the minus strand). VCF-style: chr7-96170044-C-G. GRCh37 (hg19) VCF-style: chr7-95799356-C-G.
Other names: c.1314+1G>C (NM_001160210.2).
Identifiers: ClinVar variation 2075890 (VCV002075890.5), dbSNP rs80338723, ClinGen allele CA4352969.

ClinVar aggregate classification (germline): Pathogenic. Review status: criteria provided, multiple submitters, no conflicts (2 of 4 stars). 2 submissions from 2 submitters: Pathogenic (2). Last evaluated 2024-06-18.

Conditions:
Citrin deficiency. Identifiers: Orphanet 247582, MedGen C1997910, MONDO:0016602.
Citrullinemia, type II, adult-onset (CDAA). Also called: CITRIN DEFICIENCY, ADOLESCENT OR ADULT ONSET. Identifiers: Orphanet 247585, MedGen CN295299, MONDO:0011326, OMIM 603471.
Neonatal intrahepatic cholestasis due to citrin deficiency (CDNI). Also called: CITRIN DEFICIENCY, NEONATAL OR INFANTILE ONSET; Neonatal-onset citrullinemia type II; Neonatal-onset citrullinemia type 2; Neonatal Intrahepatic Cholestasis Caused by Citrin Deficiency (NICCD). Identifiers: Orphanet 247598, MedGen C1853942, MONDO:0011601, OMIM 605814.

gnomAD v4.1: 2 of 1,613,962 alleles (0.00012%); highest among the groups gnomAD compares: South Asian, 0.0011%; no homozygotes.

Submissions (2):

Fulgent Genetics
Classification: Pathogenic for Citrullinemia, type II, adult-onset; Neonatal intrahepatic cholestasis due to citrin deficiency. Last evaluated: 2024-06-18. Review status: criteria provided, single submitter. Criteria: ACMG Guidelines, 2015. Collection method: clinical testing. Allele origin: germline.

Labcorp Genetics (formerly Invitae), Labcorp
Classification: Pathogenic for Citrin deficiency. Last evaluated: 2022-02-10. Review status: criteria provided, single submitter. Criteria: Invitae Variant Classification Sherloc (09022015). Collection method: clinical testing. Allele origin: germline.
Comment: Algorithms developed to predict the effect of sequence changes on RNA splicing suggest that this variant may disrupt the consensus splice site. Disruption of this splice site has been observed in individuals with citrin deficiency (PMID: 10369257, 29659898). For these reasons, this variant has been classified as Pathogenic. This sequence change affects a donor splice site in intron 13 of the SLC25A13 gene. It is expected to disrupt RNA splicing. Variants that disrupt the donor or acceptor splice site typically lead to a loss of protein function (PMID: 16199547), and loss-of-function variants in SLC25A13 are known to be pathogenic (PMID: 10369257, 14680984, 27405544). This variant is present in population databases (rs80338723, gnomAD 0.003%).

Literature cited by the submitters: PubMed 10369257 (cited by Labcorp Genetics (formerly Invitae), Labcorp); PubMed 29659898 (cited by Labcorp Genetics (formerly Invitae), Labcorp); PubMed 16199547 (cited by Labcorp Genetics (formerly Invitae), Labcorp); PubMed 14680984 (cited by Labcorp Genetics (formerly Invitae), Labcorp); PubMed 27405544 (cited by Labcorp Genetics (formerly Invitae), Labcorp).